The following is an entry in ClinVar:

NM_000059.4(BRCA2):c.4169del (p.Leu1390fs)

Gene: BRCA2 (BRCA2 DNA repair associated; plus strand). Cytogenetic location: 13q13.1.
Variant type: Deletion.
Coding change: c.4169del on transcript NM_000059.4 (MANE Select); coding-DNA position 4169, one base deleted (T; older notation c.4169delT).
Protein change: p.Leu1390fs; shifts the reading frame from leucine 1390.
Molecular consequence: frameshift variant.
Genome position (GRCh38, 1-based): chr13:32,338,524, T deleted; the last of 6 consecutive T bases (chr13:32,338,519-32,338,524); deleting any one gives the same sequence. VCF-style (leftmost placement, unchanged base first): chr13-32338518-CT-C. GRCh37 (hg19) VCF-style: chr13-32912655-CT-C.
Other names: 4397delT; c.4169delT (NM_000059.3).
Identifiers: ClinVar variation 51608 (VCV000051608.33), dbSNP rs80359433, ClinGen allele CA019655.

ClinVar aggregate classification (germline): Pathogenic. Review status: reviewed by expert panel (3 of 4 stars). 7 submissions from 7 submitters: Pathogenic (1). 6 of the submissions do not count toward it. Last evaluated 2016-04-22.

Conditions:
Hereditary breast ovarian cancer syndrome. Also called: Hereditary breast and ovarian cancer syndrome; Hereditary breast and ovarian cancer; Hereditary breast and ovarian cancer syndrome (HBOC); Breast and ovarian cancer; Hereditary breast and/or ovarian cancer syndrome; BRCA1- and BRCA2-Associated Hereditary Breast and Ovarian Cancer. Identifiers: Orphanet 145, MedGen C0677776, MeSH D061325, MONDO:0003582. Disease mechanism: loss of function.
Breast-ovarian cancer, familial, susceptibility to, 2 (BROVCA2). Also called: BRCA2 Hereditary Breast and Ovarian Cancer. Identifiers: Orphanet 145, MedGen C2675520, MONDO:0012933, OMIM 612555. Disease mechanism: loss of function.
Hereditary cancer-predisposing syndrome. Also called: Neoplastic Syndromes, Hereditary; Tumor predisposition; Hereditary Cancer Syndrome; Hereditary neoplastic syndrome. Identifiers: Orphanet 140162, MedGen C0027672, MeSH D009386, MONDO:0015356.

Submissions (7):

Evidence-based Network for the Interpretation of Germline Mutant Alleles (ENIGMA)
Classification: Pathogenic for Breast-ovarian cancer, familial, susceptibility to, 2. Last evaluated: 2016-04-22. Review status: reviewed by expert panel. Criteria: ENIGMA BRCA1/2 Classification Criteria (2015). Collection method: curation. Allele origin: germline.
Comment: Variant allele predicted to encode a truncated non-functional protein.

Ambry Genetics
Classification: Pathogenic for Hereditary cancer-predisposing syndrome. Last evaluated: 2024-09-27. Review status: criteria provided, single submitter. Criteria: Ambry Variant Classification Scheme 2023. Collection method: clinical testing. Allele origin: germline. Not counted in ClinVar's aggregate classification.
Comment: The c.4169delT pathogenic mutation, located in coding exon 10 of the BRCA2 gene, results from a deletion of one nucleotide at nucleotide position 4169, causing a translational frameshift with a predicted alternate stop codon (p.L1390Wfs*20). This mutation has been reported in a large worldwide cohort of individuals with hereditary breast and/or ovarian cancer (Rebbeck TR et al. Hum. Mutat. 2018 May;39(5):593-620). This variant is considered to be rare based on population cohorts in the Genome Aggregation Database (gnomAD). This alteration is expected to result in loss of function by premature protein truncation or nonsense-mediated mRNA decay. As such, this alteration is interpreted as a disease-causing mutation.

Clinical Genetics Laboratory, Skane University Hospital Lund
Classification: Pathogenic. Last evaluated: 2023-12-14. Review status: criteria provided, single submitter. Criteria: ACMG Guidelines, 2015. Collection method: clinical testing. Allele origin: germline. Affected: yes. Not counted in ClinVar's aggregate classification.

Labcorp Genetics (formerly Invitae), Labcorp
Classification: Pathogenic for Hereditary breast ovarian cancer syndrome. Last evaluated: 2022-08-04. Review status: criteria provided, single submitter. Criteria: Invitae Variant Classification Sherloc (09022015). Collection method: clinical testing. Allele origin: germline. Not counted in ClinVar's aggregate classification.
Comment: ClinVar contains an entry for this variant (Variation ID: 51608). For these reasons, this variant has been classified as Pathogenic. This premature translational stop signal has been observed in individual(s) with breast cancer (PMID: 10498392, 31228304). This sequence change creates a premature translational stop signal (p.Leu1390Trpfs*20) in the BRCA2 gene. It is expected to result in an absent or disrupted protein product. Loss-of-function variants in BRCA2 are known to be pathogenic (PMID: 20104584). This variant is not present in population databases (gnomAD no frequency). This variant is also known as 4393 delT.

Consortium of Investigators of Modifiers of BRCA1/2 (CIMBA), c/o University of Cambridge
Classification: Pathogenic for Breast-ovarian cancer, familial, susceptibility to, 2. Last evaluated: 2015-10-02. Review status: criteria provided, single submitter. Criteria: CIMBA Mutation Classification guidelines May 2016. Collection method: clinical testing. Allele origin: germline. Not counted in ClinVar's aggregate classification.

BRCAlab, Lund University
Classification: Pathogenic for Breast-ovarian cancer, familial, susceptibility to, 2. Last evaluated: 2022-08-26. Review status: no assertion criteria provided. Collection method: clinical testing. Allele origin: germline. Affected: yes. Not counted in ClinVar's aggregate classification.

Breast Cancer Information Core (BIC) (BRCA2)
Classification: Pathogenic for Breast-ovarian cancer, familial 2. Last evaluated: 2002-05-29. Review status: no assertion criteria provided. Collection method: clinical testing. Allele origin: germline. Affected: yes. Observed: 2 variant alleles. Not counted in ClinVar's aggregate classification.

Literature cited by the submitters: PubMed 10498392 (cited by Labcorp Genetics (formerly Invitae), Labcorp); PubMed 31228304 (cited by Labcorp Genetics (formerly Invitae), Labcorp); PubMed 20104584 (cited by Labcorp Genetics (formerly Invitae), Labcorp).